The following is an entry in ClinVar:

ClinVar aggregate classification (germline): Uncertain significance. Review status: criteria provided, multiple submitters, no conflicts (2 of 4 stars). 2 submissions from 2 submitters: Uncertain significance (2). Last evaluated 2023-05-23.

Conditions:
Developmental and epileptic encephalopathy, 1 (DEE1). Also called: X-linked infantile spasms; West's syndrome; Tonic spasms with clustering, arrest of psychomotor development and hypsarrhythmia on EEG; X-Linked Infantile Spasm Syndrome; Epileptic encephalopathy, early infantile, 1; INFANTILE SPASM SYNDROME, X-LINKED 1. Identifiers: MedGen C3463992, MONDO:0010632, OMIM 308350. Disease mechanism: loss of function.
Autosomal recessive spinocerebellar ataxia 12. Also called: SPINOCEREBELLAR ATAXIA WITH MENTAL RETARDATION AND EPILEPSY. Identifiers: Orphanet 284282, MedGen C3280452, MONDO:0013687, OMIM 614322.
Inborn genetic diseases. Identifiers: MedGen C0950123, MeSH D030342.

Allele frequency attached by ClinVar (database versions not stated): gnomAD exomes below 0.00001 and 0.00001; TOPMed below 0.00001; gnomAD 0.00001; ExAC 0.00008.
gnomAD v4.1: 6 of 1,574,070 alleles (0.00038%); highest among the groups gnomAD compares: Non-Finnish European, 0.00052%; no homozygotes.

Submissions (2):

Ambry Genetics
Classification: Uncertain significance for Inborn genetic diseases. Last evaluated: 2023-05-23. Review status: criteria provided, single submitter. Criteria: Ambry Variant Classification Scheme 2023. Collection method: clinical testing. Allele origin: germline.

Labcorp Genetics (formerly Invitae), Labcorp
Classification: Uncertain significance for Developmental and epileptic encephalopathy, 1; Autosomal recessive spinocerebellar ataxia 12. Last evaluated: 2019-11-14. Review status: criteria provided, single submitter. Criteria: Invitae Variant Classification Sherloc (09022015). Collection method: clinical testing. Allele origin: germline.
Comment: This sequence change replaces aspartic acid with histidine at codon 10 of the WWOX protein (p.Asp10His). The aspartic acid residue is moderately conserved and there is a moderate physicochemical difference between aspartic acid and histidine. This variant is present in population databases (rs781180473, ExAC 0.02%). This variant has not been reported in the literature in individuals with WWOX-related conditions. Algorithms developed to predict the effect of missense changes on protein structure and function are either unavailable or do not agree on the potential impact of this missense change (SIFT: "Deleterious"; PolyPhen-2: "Benign"; Align-GVGD: "Class C0"). In summary, the available evidence is currently insufficient to determine the role of this variant in disease. Therefore, it has been classified as a Variant of Uncertain Significance.

NM_016373.4(WWOX):c.28G>C (p.Asp10His)

Gene: WWOX (WW domain containing oxidoreductase; plus strand). Cytogenetic location: 16q23.1.
Variant type: single nucleotide variant.
Coding change: c.28G>C on transcript NM_016373.4 (MANE Select); coding-DNA position 28, G replaced by C.
Protein change: p.Asp10His; replaces aspartic acid 10 with histidine.
Molecular consequence: missense variant. On other transcripts: 5 prime UTR variant (1), non-coding transcript variant (2).
Genome position (GRCh38, 1-based): chr16:78,099,806, G>C. VCF-style: chr16-78099806-G-C. GRCh37 (hg19) VCF-style: chr16-78133703-G-C.
Other names: c.-247G>C (NM_001291997.2); c.28G>C, p.Asp10His (NM_130791.5); c.28G>C (NM_016373.2); short protein forms D10H.
Identifiers: ClinVar variation 968820 (VCV000968820.10), dbSNP rs781180473, ClinGen allele CA8182978.
Genomic context (GRCh38, chr16:78,099,806, plus strand): 5'-CGATAGGGGGGCCAGGTGCCTCCACAGTCAGCCATGGCAGCGCTGCGCTACGCGGGGCTG[G>C]ACGACACGGACAGTGAGGACGAGCTGCCTCCGGGCTGGGAGGAGAGAACCACCAAGGACG-3'
Protein context (NP_057457.1, residues 1-20): MAALRYAGL[Asp10His]DTDSEDELPP